The following is an entry in ClinVar:

NC_000004.12:g.(?_25151950)_(25152072_?)del

Gene: SEPSECS (Sep (O-phosphoserine) tRNA:Sec (selenocysteine) tRNA synthase; minus strand). Cytogenetic location: 4p15.2.
Variant type: Deletion.
Identifiers: ClinVar variation 831417 (VCV000831417.2).

ClinVar aggregate classification (germline): Pathogenic (1 of 4 stars; one submission).

Submission:

Labcorp Genetics (formerly Invitae), Labcorp
Classification: Pathogenic. Last evaluated: 2022-10-10. Review status: criteria provided, single submitter. Criteria: Invitae Variant Classification Sherloc (09022015). Collection method: clinical testing. Allele origin: germline.
Comment: This variant is a gross deletion of the genomic region encompassing exon(s) 6 of the SEPSECS gene. This deletion is out-of-frame, and is expected to create a premature termination codon and result in an absent or disrupted protein product. Loss-of-function variants in SEPSECS are known to be pathogenic (PMID: 25558065, 25590979, 26115735). This variant has not been reported in the literature in individuals affected with SEPSECS-related conditions. For these reasons, this variant has been classified as Pathogenic.

Literature cited by the submitters: PubMed 25558065; PubMed 25590979; PubMed 26115735.